The following is an entry in ClinVar:

ClinVar aggregate classification (germline): Uncertain significance (1 of 4 stars; one submission).

Allele frequency attached by ClinVar (database versions not stated): gnomAD 0.00001; TOPMed 0.00003.
gnomAD v4.1: 7 of 1,614,084 alleles (0.00043%); highest among the groups gnomAD compares: East Asian, 0.0067%; no homozygotes.

Submission:

Labcorp Genetics (formerly Invitae), Labcorp
Classification: Uncertain significance. Last evaluated: 2021-06-13. Review status: criteria provided, single submitter. Criteria: Invitae Variant Classification Sherloc (09022015). Collection method: clinical testing. Allele origin: germline.
Comment: This sequence change replaces proline with serine at codon 142 of the KANK1 protein (p.Pro142Ser). The proline residue is moderately conserved and there is a moderate physicochemical difference between proline and serine. This variant is not present in population databases (ExAC no frequency). This variant has not been reported in the literature in individuals with KANK1-related conditions. Algorithms developed to predict the effect of missense changes on protein structure and function are either unavailable or do not agree on the potential impact of this missense change (SIFT: "Deleterious"; PolyPhen-2: "Possibly Damaging"; Align-GVGD: "Class C0"). In summary, the available evidence is currently insufficient to determine the role of this variant in disease. Therefore, it has been classified as a Variant of Uncertain Significance.

NM_015158.5(KANK1):c.424C>T (p.Pro142Ser)

Gene: KANK1 (KN motif and ankyrin repeat domains 1; plus strand). Cytogenetic location: 9p24.3.
Variant type: single nucleotide variant.
Coding change: c.424C>T on transcript NM_015158.5 (MANE Select); coding-DNA position 424, C replaced by T.
Protein change: p.Pro142Ser; replaces proline 142 with serine.
Molecular consequence: missense variant. On other transcripts: 5 prime UTR variant (12), non-coding transcript variant (1).
Genome position (GRCh38, 1-based): chr9:711,190, C>T. VCF-style: chr9-711190-C-T. GRCh37 (hg19) VCF-style: chr9-711190-C-T.
Other names: c.424C>T, p.Pro142Ser (NM_001256876.3, NM_001256877.3, NM_001354331.2 and 2 more transcripts); c.-51C>T (NM_001354333.2, NM_001354335.2, NM_001354336.2 and 9 more transcripts); short protein forms P142S.
Identifiers: ClinVar variation 1467861 (VCV001467861.8), dbSNP rs1309565091, ClinGen allele CA372746126.
Genomic context (GRCh38, chr9:711,190, plus strand): 5'-CCTCCCCCTCTGGAGACCTCACTCCCTTTTCTTACCATCCCAGAAAATCGACAGCTGCCA[C>T]CTCCCTCACCACAACTCCCAAAGCATAACCTTCATGTCACCAAGACACTGATGGAGACCC-3'
Protein context (NP_055973.2, residues 132-152): LTIPENRQLP[Pro142Ser]PSPQLPKHNL